The following is an entry in ClinVar:

NM_016263.4(FZR1):c.826G>A (p.Ala276Thr)

Gene: FZR1 (fizzy and cell division cycle 20 related 1; plus strand). Cytogenetic location: 19p13.3.
Variant type: single nucleotide variant.
Coding change: c.826G>A on transcript NM_016263.4 (MANE Select); coding-DNA position 826, G replaced by A.
Protein change: p.Ala276Thr; replaces alanine 276 with threonine.
Molecular consequence: missense variant.
Genome position (GRCh38, 1-based): chr19:3,531,913, G>A. VCF-style: chr19-3531913-G-A. GRCh37 (hg19) VCF-style: chr19-3531911-G-A.
Other names: c.559G>A, p.Ala187Thr (NM_001136197.1); c.826G>A, p.Ala276Thr (NM_001136198.1); short protein forms A187T, A276T.
Identifiers: ClinVar variation 3063955 (VCV003063955.1), dbSNP rs745701728, ClinGen allele CA9078403.

ClinVar aggregate classification (germline): Uncertain significance (1 of 4 stars; one submission).

Allele frequency attached by ClinVar (database versions not stated): TOPMed below 0.00001; gnomAD exomes 0.00001; ExAC 0.00005.
gnomAD v4.1: 3 of 1,593,938 alleles (0.00019%); highest among the groups gnomAD compares: Admixed American, 0.0052%; no homozygotes.

Submission:

Women's Health and Genetics/Laboratory Corporation of America, LabCorp
Classification: Uncertain significance. Last evaluated: 2024-01-17. Review status: criteria provided, single submitter. Criteria: LabCorp Variant Classification Summary - May 2015. Collection method: clinical testing. Allele origin: germline.
Comment: Variant summary: FZR1 c.826G>A (p.Ala276Thr) results in a non-conservative amino acid change in the encoded protein sequence. Three of five in-silico tools predict a benign effect of the variant on protein function. Consensus agreement among computation tools predict no significant impact on normal splicing. However, these predictions have yet to be confirmed by functional studies. The variant allele was found at a frequency of 1.4e-05 in 215638 control chromosomes (gnomAD). The available data on variant occurrences in the general population are insufficient to allow any conclusion about variant significance. To our knowledge, no occurrence of c.826G>A in individuals affected with Developmental And Epileptic Encephalopathy 109 and no experimental evidence demonstrating its impact on protein function have been reported. No submitters have cited clinical-significance assessments for this variant to ClinVar. Based on the evidence outlined above, the variant was classified as uncertain significance.